The following is an entry in ClinVar:

ClinVar aggregate classification (germline): Likely benign (1 of 4 stars; one submission).

gnomAD v4.1: 1 of 1,614,186 alleles (0.000062%); no homozygotes.

Submission:

Mayo Clinic Laboratories, Mayo Clinic
Classification: Likely benign. Last evaluated: 2025-08-05. Review status: criteria provided, single submitter. Criteria: ACMG Guidelines, 2015. Collection method: clinical testing. Allele origin: germline. Observed: 1 variant allele.
Comment: BP4, BP7

NM_153240.5(NPHP3):c.1884T>A (p.Val628=)

Genes: NPHP3 (nephrocystin 3; minus strand), NPHP3-ACAD11 (NPHP3-ACAD11 readthrough (NMD candidate); minus strand). Cytogenetic location: 3q22.1.
Variant type: single nucleotide variant.
Coding change: c.1884T>A on transcript NM_153240.5 (MANE Select); coding-DNA position 1884, T replaced by A.
Protein change: p.Val628=; no amino-acid change (valine 628 retained).
Molecular consequence: synonymous variant. On other transcripts: non-coding transcript variant (1).
Genome position (GRCh38, 1-based): chr3:132,699,921, A>T on the plus strand (T>A on the coding strand, the complement: NPHP3 is on the minus strand). VCF-style: chr3-132699921-A-T. GRCh37 (hg19) VCF-style: chr3-132418765-A-T.
Other names: p.Val628=.
Identifiers: ClinVar variation 4684723 (VCV004684723.1).